The following is an entry in ClinVar:

NM_002775.5(HTRA1):c.425T>C (p.Leu142Pro)

Gene: HTRA1 (HtrA serine peptidase 1; plus strand). Cytogenetic location: 10q26.13.
Variant type: single nucleotide variant.
Coding change: c.425T>C on transcript NM_002775.5 (MANE Select); coding-DNA position 425, T replaced by C.
Protein change: p.Leu142Pro; replaces leucine 142 with proline.
Molecular consequence: missense variant.
Genome position (GRCh38, 1-based): chr10:122,462,077, T>C. VCF-style: chr10-122462077-T-C. GRCh37 (hg19) VCF-style: chr10-124221593-T-C.
Other names: short protein forms L142P.
Identifiers: ClinVar variation 4533873 (VCV004533873.6).

ClinVar aggregate classification (germline): Uncertain significance (1 of 4 stars; one submission).

gnomAD v4.1: 5 of 1,536,000 alleles (0.00033%); highest among the groups gnomAD compares: Non-Finnish European, 0.00044%; no homozygotes.

Submission:

CeGaT Center for Human Genetics Tuebingen
Classification: Uncertain significance. Last evaluated: 2025-11-01. Review status: criteria provided, single submitter. Criteria: CeGaT Center For Human Genetics Tuebingen Variant Classification Criteria Version 2. Collection method: clinical testing. Allele origin: germline. Affected: yes. Observed: 1 variant allele.
Comment: HTRA1: PM2